The following is an entry in ClinVar:

ClinVar aggregate classification (germline): Uncertain significance (1 of 4 stars; one submission).

Submission:

GeneDx
Classification: Uncertain significance. Last evaluated: 2023-10-04. Review status: criteria provided, single submitter. Criteria: GeneDx Variant Classification Process June 2021. Collection method: clinical testing. Allele origin: germline. Affected: yes.
Comment: Not observed at significant frequency in large population cohorts (gnomAD); In silico analysis supports that this missense variant has a deleterious effect on protein structure/function; Has not been previously published as pathogenic or benign to our knowledge

NM_001001331.4(ATP2B2):c.1397C>G (p.Ser466Trp)

Gene: ATP2B2 (ATPase plasma membrane Ca2+ transporting 2; minus strand). Cytogenetic location: 3p25.3.
Variant type: single nucleotide variant.
Coding change: c.1397C>G on transcript NM_001001331.4 (MANE Select); coding-DNA position 1397, C replaced by G.
Protein change: p.Ser466Trp; replaces serine 466 with tryptophan.
Molecular consequence: missense variant.
Genome position (GRCh38, 1-based): chr3:10,375,449, G>C on the plus strand (C>G on the coding strand, the complement: ATP2B2 is on the minus strand). VCF-style: chr3-10375449-G-C. GRCh37 (hg19) VCF-style: chr3-10417133-G-C.
Other names: c.1262C>G, p.Ser421Trp (NM_001330611.3, NM_001353564.1, NM_001363862.1 and 1 more transcripts); short protein forms S421W, S466W.
Identifiers: ClinVar variation 3252592 (VCV003252592.1), dbSNP rs1198836153.
Genomic context (GRCh38, chr3:10,375,449, plus strand): 5'-AGCTGCATCAGCCGGCTGGTCCTGCTCTCCTCCCCTCTCACCTTCACCGAATAGGCCAAC[G>C]AGATGGTGACGGCCAGAGGGAGCCCCTCGGGCACGGCGACCACCAGCACCGTCACGCCAA-3'
Protein context (NP_001001331.1, residues 456-476): PEGLPLAVTI[Ser466Trp]LAYSVKKMMK